The following is an entry in ClinVar:

NM_001086521.2(NDUFAF8):c.125del (p.Pro42fs)

Gene: NDUFAF8 (NADH:ubiquinone oxidoreductase complex assembly factor 8; plus strand). Cytogenetic location: 17q25.3.
Variant type: Deletion.
Coding change: c.125del on transcript NM_001086521.2 (MANE Select); coding-DNA position 125, one base deleted (C; older notation c.125delC).
Protein change: p.Pro42fs; shifts the reading frame from proline 42.
Molecular consequence: frameshift variant. On other transcripts: 5 prime UTR variant (1).
Genome position (GRCh38, 1-based): chr17:81,239,608, C deleted; the last of 4 consecutive C bases (chr17:81,239,605-81,239,608); deleting any one gives the same sequence. VCF-style (leftmost placement, unchanged base first): chr17-81239604-GC-G. GRCh37 (hg19) VCF-style: chr17-79213404-GC-G.
Other names: c.125del, p.Pro42fs (NM_001353402.1); c.-299del (NM_001353403.1); short protein forms P42fs.
Identifiers: ClinVar variation 3764228 (VCV003764228.2).

ClinVar aggregate classification (germline): Pathogenic (1 of 4 stars; one submission).

Submission:

GeneDx
Classification: Pathogenic. Last evaluated: 2025-06-20. Review status: criteria provided, single submitter. Criteria: GeneDx Variant Classification Process June 2021. Collection method: clinical testing. Allele origin: germline.
Comment: Frameshift variant predicted to result in protein truncation or nonsense mediated decay in a gene for which loss of function is a known mechanism of disease; Not observed at significant frequency in large population cohorts (gnomAD); Has not been previously published as pathogenic or benign to our knowledge